The following is an entry in ClinVar:

ClinVar aggregate classification (germline): Pathogenic (1 of 4 stars; one submission).

Submission:

Quest Diagnostics Nichols Institute San Juan Capistrano
Classification: Pathogenic. Last evaluated: 2022-07-13. Review status: criteria provided, single submitter. Criteria: ACMG/ClinGen CNV Guidelines, 2019. Collection method: clinical testing. Allele origin: unknown.
Comment: The terminal deletion of 5p is consistent with the clinical diagnosis of Cri-du-chat syndrome (OMIM 123450). The severity of the phenotype varies, and there is some correlation between clinical features and the size of the deletion.

GRCh37/hg19 5p15.33-13.3(chr5:113577-30529044)x1

Genes: ADAMTS16 (ADAM metallopeptidase with thrombospondin type 1 motif 16; plus strand), ADCY2 (adenylate cyclase 2; plus strand), AHRR (aryl hydrocarbon receptor repressor; plus strand), ANKH (ANKH inorganic pyrophosphate transport regulator; minus strand), ANKRD33B (ankyrin repeat domain 33B; plus strand) and 64 more. Cytogenetic location: 5p15.33-13.3.
Variant type: copy number loss.
Change: copy number 1 (one copy instead of two) of chr5:113,577-30,529,044 (30.42 Mb, GRCh37 coordinates, 1-based), cytogenetic band 5p15.33-13.3.
Identifiers: ClinVar variation 2685141 (VCV002685141.1).